The following is an entry in ClinVar:

NM_198965.2(PTHLH):c.169C>T (p.Arg57Ter)

Gene: PTHLH (parathyroid hormone like hormone; minus strand). Cytogenetic location: 12p11.22.
Variant type: single nucleotide variant.
Coding change: c.169C>T on transcript NM_198965.2 (MANE Select); coding-DNA position 169, C replaced by T.
Protein change: p.Arg57Ter; replaces arginine 57 with a stop codon.
Molecular consequence: nonsense.
Genome position (GRCh38, 1-based): chr12:27,963,703, G>A on the plus strand (C>T on the coding strand, the complement: PTHLH is on the minus strand). VCF-style: chr12-27963703-G-A. GRCh37 (hg19) VCF-style: chr12-28116636-G-A.
Other names: c.169C>T, p.Arg57Ter (NM_002820.3, NM_198964.2, NM_198966.2); c.169C>T (NM_198965.1); short protein forms R57*.
Identifiers: ClinVar variation 2152144 (VCV002152144.7), dbSNP rs2062783271, ClinGen allele CA384339497.

ClinVar aggregate classification (germline): Pathogenic. Review status: criteria provided, multiple submitters, no conflicts (2 of 4 stars). 3 submissions from 3 submitters: Pathogenic (3). Last evaluated 2022-10-20.

Conditions:
Brachydactyly type E2 (BDE2). Identifiers: Orphanet 93387, MedGen C3150644, MONDO:0013244, OMIM 613382.

Allele frequency attached by ClinVar (database versions not stated): gnomAD 0.00001.
gnomAD v4.1: 1 of 1,613,420 alleles (0.000062%); highest among the groups gnomAD compares: African/African-American, 0.0013%; no homozygotes.

Submissions (3):

GeneDx
Classification: Pathogenic. Last evaluated: 2022-10-20. Review status: criteria provided, single submitter. Criteria: GeneDx Variant Classification Process June 2021. Collection method: clinical testing. Allele origin: germline. Affected: yes.
Comment: Nonsense variant predicted to result in protein truncation or nonsense mediated decay in a gene for which loss of function is a known mechanism of disease; Not observed at significant frequency in large population cohorts (gnomAD); This variant is associated with the following publications: (PMID: 29947179)

Labcorp Genetics (formerly Invitae), Labcorp
Classification: Pathogenic. Last evaluated: 2022-03-03. Review status: criteria provided, single submitter. Criteria: Invitae Variant Classification Sherloc (09022015). Collection method: clinical testing. Allele origin: germline.
Comment: For these reasons, this variant has been classified as Pathogenic. This premature translational stop signal has been observed in individual(s) with brachydactyly (PMID: 29947179). This variant is not present in population databases (gnomAD no frequency). This sequence change creates a premature translational stop signal (p.Arg57*) in the PTHLH gene. It is expected to result in an absent or disrupted protein product. Loss-of-function variants in PTHLH are known to be pathogenic (PMID: 20170896, 26640227, 26763883).

Juno Genomics, Hangzhou Juno Genomics, Inc
Classification: Pathogenic for Brachydactyly type E2. Review status: criteria provided, single submitter. Criteria: ACMG Guidelines, 2015. Collection method: clinical testing. Allele origin: germline.
Comment: Null variant in a gene where loss of function (LOF) is a known mechanism of disease.;Absent from controls (or at extremely low frequency if recessive) in Genome Aggregation Database.;Patient's phenotype or family history is highly specific for a disease with a single genetic etiology.

Literature cited by the submitters: PubMed 29947179 (cited by Labcorp Genetics (formerly Invitae), Labcorp); PubMed 20170896 (cited by Labcorp Genetics (formerly Invitae), Labcorp); PubMed 26640227 (cited by Labcorp Genetics (formerly Invitae), Labcorp); PubMed 26763883 (cited by Labcorp Genetics (formerly Invitae), Labcorp).